The following is an entry in ClinVar:

ClinVar aggregate classification (germline): Uncertain significance (1 of 4 stars; one submission).

Conditions:
Hyperphosphatasia with impaired intellectual development syndrome 2. Also called: GLYCOSYLPHOSPHATIDYLINOSITOL BIOSYNTHESIS DEFECT 6; Hyperphosphatasia with intellectual disability syndrome 2. Identifiers: Orphanet 247262, MedGen C3553637, MONDO:0013882, OMIM 614749.

Allele frequency attached by ClinVar (database versions not stated): gnomAD 0.00003; gnomAD exomes below 0.00001; ExAC 0.00001; TOPMed 0.00002.
gnomAD v4.1: 8 of 1,604,382 alleles (0.0005%); highest among the groups gnomAD compares: African/African-American, 0.0094%; no homozygotes.

Submission:

Labcorp Genetics (formerly Invitae), Labcorp
Classification: Uncertain significance for Hyperphosphatasia with impaired intellectual development syndrome 2. Last evaluated: 2022-06-28. Review status: criteria provided, single submitter. Criteria: Invitae Variant Classification Sherloc (09022015). Collection method: clinical testing. Allele origin: germline.
Comment: This sequence change replaces threonine, which is neutral and polar, with isoleucine, which is neutral and non-polar, at codon 206 of the PIGO protein (p.Thr206Ile). This variant is present in population databases (rs750723712, gnomAD 0.02%). This variant has not been reported in the literature in individuals affected with PIGO-related conditions. Algorithms developed to predict the effect of missense changes on protein structure and function are either unavailable or do not agree on the potential impact of this missense change (SIFT: "Deleterious"; PolyPhen-2: "Probably Damaging"; Align-GVGD: "Class C15"). In summary, the available evidence is currently insufficient to determine the role of this variant in disease. Therefore, it has been classified as a Variant of Uncertain Significance.

NM_032634.4(PIGO):c.617C>T (p.Thr206Ile)

Gene: PIGO (phosphatidylinositol glycan anchor biosynthesis class O; minus strand). Cytogenetic location: 9p13.3.
Variant type: single nucleotide variant.
Coding change: c.617C>T on transcript NM_032634.4 (MANE Select); coding-DNA position 617, C replaced by T.
Protein change: p.Thr206Ile; replaces threonine 206 with isoleucine.
Molecular consequence: missense variant.
Genome position (GRCh38, 1-based): chr9:35,094,254, G>A on the plus strand (C>T on the coding strand, the complement: PIGO is on the minus strand). VCF-style: chr9-35094254-G-A. GRCh37 (hg19) VCF-style: chr9-35094251-G-A.
Other names: c.617C>T, p.Thr206Ile (NM_001201484.2, NM_152850.4); short protein forms T206I.
Identifiers: ClinVar variation 1941832 (VCV001941832.2), dbSNP rs750723712, ClinGen allele CA5040890.